The following is an entry in ClinVar:

ClinVar aggregate classification (germline): Likely pathogenic (1 of 4 stars; one submission).

Conditions:
Polycystic kidney disease 4 (PKD4). Also called: POLYCYSTIC KIDNEY AND HEPATIC DISEASE 1; POLYCYSTIC KIDNEY DISEASE, INFANTILE, TYPE I; POLYCYSTIC KIDNEY DISEASE 4 WITH OR WITHOUT POLYCYSTIC LIVER DISEASE; PKD3; Autosomal Recessive Polycystic Kidney Disease – PKHD1. Identifiers: MedGen C4540575, MONDO:0033004, OMIM 263200.

Submission:

Myriad Genetics, Inc.
Classification: Likely pathogenic for Polycystic kidney disease 4. Last evaluated: 2021-12-31. Review status: criteria provided, single submitter. Criteria: Myriad Women's Health Autosomal Recessive and X-Linked Classification Criteria (2021). Collection method: clinical testing. Allele origin: unknown.
Comment: NM_138694.3(PKHD1):c.10688T>A(L3563*) is expected to be pathogenic in the context of autosomal recessive polycystic kidney disease, PKHD1-related. This variant is predicted to lead to an abnormal or absent protein product due to the creation of a premature termination codon in PKHD1, a gene where loss-of-function variants are known to be pathogenic. Please note: this variant was assessed in the context of healthy population screening.

NM_138694.4(PKHD1):c.10688T>A (p.Leu3563Ter)

Gene: PKHD1 (PKHD1 ciliary IPT domain containing fibrocystin/polyductin; minus strand). Cytogenetic location: 6p12.3.
Variant type: single nucleotide variant.
Coding change: c.10688T>A on transcript NM_138694.4 (MANE Select); coding-DNA position 10688, T replaced by A.
Protein change: p.Leu3563Ter; replaces leucine 3563 with a stop codon.
Molecular consequence: nonsense.
Genome position (GRCh38, 1-based): chr6:51,659,438, A>T on the plus strand (T>A on the coding strand, the complement: PKHD1 is on the minus strand). VCF-style: chr6-51659438-A-T. GRCh37 (hg19) VCF-style: chr6-51524236-A-T.
Other names: short protein forms L3563*.
Identifiers: ClinVar variation 1726745 (VCV001726745.2), dbSNP rs1772455536, ClinGen allele CA364432958.